The following is an entry in ClinVar:

ClinVar aggregate classification (germline): Pathogenic (1 of 4 stars; one submission).

Conditions:
Charcot-Marie-Tooth disease type 4D. Also called: Charcot-Marie-Tooth Neuropathy Type 4D; CHARCOT-MARIE-TOOTH DISEASE, DEMYELINATING, AUTOSOMAL RECESSIVE, TYPE 4D; NEUROPATHY, HEREDITARY MOTOR AND SENSORY, LOM TYPE; CHARCOT-MARIE-TOOTH DISEASE, DEMYELINATING, TYPE 4D. Identifiers: Orphanet 99950, MedGen C1832334, MONDO:0011085, OMIM 601455.

gnomAD v4.1: 1 of 1,614,124 alleles (0.000062%); highest among the groups gnomAD compares: Non-Finnish European, 0.000085%; no homozygotes.

Submission:

3billion
Classification: Pathogenic for Charcot-Marie-Tooth disease type 4D. Last evaluated: 2025-07-25. Review status: criteria provided, single submitter. Criteria: ACMG Guidelines, 2015. Collection method: clinical testing. Allele origin: germline. Affected: yes.
Comment: The variant is observed at an extremely low frequency in the gnomAD v4.1.0 dataset (total allele frequency: <0.001%). Predicted Consequence/Location: Stop-gained (nonsense): predicted to result in a loss or disruption of normal protein function through nonsense-mediated decay (NMD) or protein truncation. Multiple pathogenic variants are reported downstream of the variant. Therefore, this variant is classified as Pathogenic according to the recommendation of ACMG/AMP guideline.

NM_006096.4(NDRG1):c.880C>T (p.Gln294Ter)

Gene: NDRG1 (N-myc downstream regulated 1; minus strand). Cytogenetic location: 8q24.22.
Variant type: single nucleotide variant.
Coding change: c.880C>T on transcript NM_006096.4 (MANE Select); coding-DNA position 880, C replaced by T.
Protein change: p.Gln294Ter; replaces glutamine 294 with a stop codon.
Molecular consequence: nonsense.
Genome position (GRCh38, 1-based): chr8:133,244,366, G>A on the plus strand (C>T on the coding strand, the complement: NDRG1 is on the minus strand). VCF-style: chr8-133244366-G-A. GRCh37 (hg19) VCF-style: chr8-134256609-G-A.
Other names: c.880C>T, p.Gln294Ter (NM_001135242.2, NM_001374845.1, NM_001374846.1); c.682C>T, p.Gln228Ter (NM_001258432.2, NM_001374847.1); c.637C>T, p.Gln213Ter (NM_001258433.2); c.931C>T, p.Gln311Ter (NM_001374844.1); short protein forms Q213*, Q228*, Q294*, Q311*.
Identifiers: ClinVar variation 4855930 (VCV004855930.1).
Genomic context (GRCh38, chr8:133,244,366, plus strand): 5'-CCAGGGGGAAGCGACAGCTGTATAATGCAAAAGCCAACATGGCACTCACCTGGGAGATCT[G>A]CGGGAGGCCGCCACAGTCCGCCATCTAGGAGAGAGGGAAGCTCGTTAGTGCCAAACACCA-3'